The following is an entry in ClinVar:

ClinVar aggregate classification (germline): Uncertain significance. Review status: criteria provided, multiple submitters, no conflicts (2 of 4 stars). 3 submissions from 3 submitters: Uncertain significance (3). Last evaluated 2025-04-05.

Conditions:
Charcot-Marie-Tooth disease. Also called: Charcot-Marie-Tooth Neuropathy; Charcot-Marie-Tooth Hereditary Neuropathy. Identifiers: Orphanet 166, MedGen C0007959, MONDO:0015626.
Charcot-Marie-Tooth disease type 4F. Also called: Charcot-Marie-Tooth disease, demyelinating, type 4F. Identifiers: Orphanet 99952, MedGen C3540453, MONDO:0013959, OMIM 614895.
PRX-related disorder. Also called: PRX-Related Disorders; PRX-related condition.

Allele frequency attached by ClinVar (database versions not stated): TOPMed 0.00002; gnomAD 0.00003; ExAC 0.00006; 1000 Genomes Project 30x 0.00016; 1000 Genomes Project 0.00020.

Submissions (3):

PreventionGenetics, part of Exact Sciences
Classification: Uncertain significance for PRX-related condition. Last evaluated: 2025-04-05. Review status: criteria provided, single submitter. Criteria: ACMG Guidelines, 2015. Collection method: clinical testing. Allele origin: germline.
Comment: The PRX c.539C>T variant is predicted to result in the amino acid substitution p.Pro180Leu. This variant was reported as a variant of uncertain significance in an individual from a large cohort study of Charcot-Marie-Tooth disease; however, additional evidence was not provided (Volodarsky et al. 2021. PubMed ID: 32376792). This variant is reported in 0.0060% of alleles in individuals of East Asian descent in gnomAD. At this time, the clinical significance of this variant is uncertain due to the absence of conclusive functional and genetic evidence.

Illumina Laboratory Services, Illumina
Classification: Uncertain significance for Charcot-Marie-Tooth disease type 4F. Last evaluated: 2018-01-12. Review status: criteria provided, single submitter. Criteria: ICSL Variant Classification Criteria 13 December 2019. Collection method: clinical testing. Allele origin: germline.

Molecular Genetics Laboratory, London Health Sciences Centre
Classification: Uncertain significance for Charcot-Marie-Tooth disease. Review status: criteria provided, single submitter. Criteria: ACMG Guidelines, 2015. Collection method: clinical testing. Allele origin: germline. Affected: yes.

NM_181882.3(PRX):c.539C>T (p.Pro180Leu)

Gene: PRX (periaxin; minus strand). Cytogenetic location: 19q13.2.
Variant type: single nucleotide variant.
Coding change: c.539C>T on transcript NM_181882.3 (MANE Select); coding-DNA position 539, C replaced by T.
Protein change: p.Pro180Leu; replaces proline 180 with leucine.
Molecular consequence: missense variant. On other transcripts: 3 prime UTR variant (1).
Genome position (GRCh38, 1-based): chr19:40,397,813, G>A on the plus strand (C>T on the coding strand, the complement: PRX is on the minus strand). VCF-style: chr19-40397813-G-A. GRCh37 (hg19) VCF-style: chr19-40903720-G-A.
Other names: c.*744C>T (NM_020956.2); short protein forms P180L.
Identifiers: ClinVar variation 329285 (VCV000329285.7), dbSNP rs540526276, ClinGen allele CA9444435.